The following is an entry in ClinVar:

ClinVar aggregate classification (germline): Benign. Review status: criteria provided, multiple submitters, no conflicts (2 of 4 stars). 6 submissions from 6 submitters: Benign (6). Last evaluated 2026-02-02.

Conditions:
Brody myopathy. Also called: BRODY DISEASE. Identifiers: Orphanet 53347, MedGen C1832918, MONDO:0010977, OMIM 601003.

Allele frequency attached by ClinVar (database versions not stated): ESP Exome Variant Server 0.00770; gnomAD 0.01641 and 0.02168; gnomAD exomes 0.01990 and 0.04920; TOPMed 0.02698; ExAC 0.04551; 1000 Genomes Project 30x 0.07402; 1000 Genomes Project 0.07808.
gnomAD v4.1: 32,711 of 1,613,700 alleles (2%); highest among the groups gnomAD compares: East Asian, 21%; 2,109 homozygotes.

Submissions (14):

Labcorp Genetics (formerly Invitae), Labcorp
Classification: Benign for Brody myopathy. Last evaluated: 2026-02-02. Review status: criteria provided, single submitter. Criteria: Invitae Variant Classification Sherloc (09022015). Collection method: clinical testing. Allele origin: germline.

Mayo Clinic Laboratories, Mayo Clinic
Classification: Benign. Last evaluated: 2022-03-23. Review status: criteria provided, single submitter. Criteria: ACMG Guidelines, 2015. Collection method: clinical testing. Allele origin: germline. Observed: 29 variant alleles.

Athena Diagnostics
Classification: Benign. Last evaluated: 2019-04-01. Review status: criteria provided, single submitter. Criteria: Athena Diagnostics Criteria. Collection method: clinical testing. Allele origin: germline.

Illumina Laboratory Services, Illumina
Classification: Benign for Brody myopathy. Last evaluated: 2018-01-13. Review status: criteria provided, single submitter. Criteria: ICSL Variant Classification Criteria 13 December 2019. Collection method: clinical testing. Allele origin: germline.
Comment: This variant was observed in the ICSL laboratory as part of a predisposition screen in an ostensibly healthy population. It had not been previously curated by ICSL or reported in the Human Gene Mutation Database (HGMD: prior to June 1st, 2018), and was therefore a candidate for classification through an automated scoring system. Utilizing variant allele frequency, disease prevalence and penetrance estimates, and inheritance mode, an automated score was calculated to assess if this variant is too frequent to cause the disease. Based on the score and internal cut-off values, a variant classified as benign is not then subjected to further curation. The score for this variant resulted in a classification of benign for this disease.

GeneDx
Classification: Benign. Last evaluated: 2016-02-12. Review status: criteria provided, single submitter. Criteria: GeneDx Variant Classification (06012015). Collection method: clinical testing. Allele origin: germline. Affected: yes.
Comment: This variant is considered likely benign or benign based on one or more of the following criteria: it is a conservative change, it occurs at a poorly conserved position in the protein, it is predicted to be benign by multiple in silico algorithms, and/or has population frequency not consistent with disease.

Breakthrough Genomics
Classification: Benign. Review status: criteria provided, single submitter. Criteria: ACMG Guidelines, 2015. Collection method: not provided. Allele origin: germline. Inheritance: Autosomal recessive inheritance. Affected: yes.

Dr. Peter K. Rogan Lab, Western University
No classification provided (evidence only). Condition: Acute myeloid leukemia. Review status: no classification provided. Collection method: in vitro. Allele origin: not applicable. Functional consequence: retained intron. Not counted in ClinVar's aggregate classification.

Dr. Peter K. Rogan Lab, Western University
No classification provided (evidence only). Condition: Colon adenocarcinoma. Review status: no classification provided. Collection method: in vitro. Allele origin: not applicable. Functional consequence: retained intron. Not counted in ClinVar's aggregate classification.

Dr. Peter K. Rogan Lab, Western University
No classification provided (evidence only). Condition: Uterine corpus endometrial carcinoma. Review status: no classification provided. Collection method: in vitro. Allele origin: not applicable. Functional consequence: retained intron. Not counted in ClinVar's aggregate classification.

Dr. Peter K. Rogan Lab, Western University
No classification provided (evidence only). Condition: Cervical cancer. Review status: no classification provided. Collection method: in vitro. Allele origin: not applicable. Functional consequence: retained intron. Not counted in ClinVar's aggregate classification.

Dr. Peter K. Rogan Lab, Western University
No classification provided (evidence only). Condition: Malignant lymphoma, large B-cell, diffuse. Review status: no classification provided. Collection method: in vitro. Allele origin: not applicable. Functional consequence: retained intron. Not counted in ClinVar's aggregate classification.

Dr. Peter K. Rogan Lab, Western University
No classification provided (evidence only). Condition: Thymoma. Review status: no classification provided. Collection method: in vitro. Allele origin: not applicable. Functional consequence: retained intron. Not counted in ClinVar's aggregate classification.

Dr. Peter K. Rogan Lab, Western University
No classification provided (evidence only). Condition: Ovarian serous cystadenocarcinoma. Review status: no classification provided. Collection method: in vitro. Allele origin: not applicable. Functional consequence: retained intron. Not counted in ClinVar's aggregate classification.

Dr. Peter K. Rogan Lab, Western University
No classification provided (evidence only). Condition: Ovarian serous cystadenocarcinoma. Review status: no classification provided. Collection method: in vitro. Allele origin: not applicable. Functional consequence: retained intron. Not counted in ClinVar's aggregate classification.

NM_004320.6(ATP2A1):c.2524+3G>T

Gene: ATP2A1 (ATPase sarcoplasmic/endoplasmic reticulum Ca2+ transporting 1; plus strand). Cytogenetic location: 16p11.2.
Variant type: single nucleotide variant.
Coding change: c.2524+3G>T on transcript NM_004320.6 (MANE Select); 3 bases into the intron after coding-DNA position 2524, G replaced by T.
Molecular consequence: intron variant.
Genome position (GRCh38, 1-based): chr16:28,902,389, G>T. VCF-style: chr16-28902389-G-T. GRCh37 (hg19) VCF-style: chr16-28913710-G-T.
Other names: p.?; c.2524+3G>T (NM_173201.5, NM_173201.4); c.2149+3G>T (NM_001286075.2).
Identifiers: ClinVar variation 318787 (VCV000318787.18), dbSNP rs2071341, ClinGen allele CA7987280.